The following is an entry in ClinVar:

Conditions:
Breast-ovarian cancer, familial, susceptibility to, 1 (BROVCA1). Also called: BRCA1 Hereditary Breast and Ovarian Cancer; OVARIAN CANCER, SUSCEPTIBILITY TO. Identifiers: Orphanet 145, MedGen C2676676, MONDO:0011450, OMIM 604370. Disease mechanism: loss of function.

Submission:

Brotman Baty Institute, University of Washington
No classification provided (evidence only). Condition: Breast-ovarian cancer, familial 1. Review status: no classification provided. Collection method: in vitro. Allele origin: not applicable. Functional consequence: functionally_normal.
ClinVar note: "not provided" was previously submitted as the classification for the variant. However, the classification appeared to be based only on an observation of functional data so it was converted to no classification on 2025-07-30.

NM_007294.4(BRCA1):c.5388A>C (p.Ser1796=)

Gene: BRCA1 (BRCA1 DNA repair associated; minus strand). Cytogenetic location: 17q21.31.
Variant type: single nucleotide variant.
Coding change: c.5388A>C on transcript NM_007294.4 (MANE Select); coding-DNA position 5388, A replaced by C.
Protein change: p.Ser1796=; no amino-acid change (serine 1796 retained).
Molecular consequence: synonymous variant. On other transcripts: intron variant (19).
Genome position (GRCh38, 1-based): chr17:43,049,139, T>G on the plus strand (A>C on the coding strand, the complement: BRCA1 is on the minus strand). VCF-style: chr17-43049139-T-G. GRCh37 (hg19) VCF-style: chr17-41201156-T-G.
Other names: c.1935A>C, p.Ser645= (NM_001408464.1, NM_001408465.1, NM_001408466.1 and 7 more transcripts); c.1932A>C, p.Ser644= (NM_001408468.1, NM_001408469.1, NM_001408470.1); c.1878A>C, p.Ser626= (NM_001408474.1); c.1875A>C, p.Ser625= (NM_001408475.1, NM_001408476.1); c.1869A>C, p.Ser623= (NM_001408478.1, NM_001408479.1, NM_001408480.1); c.1866A>C, p.Ser622= (NM_001408481.1, NM_001408482.1, NM_001408483.1 and 5 more transcripts); c.1863A>C, p.Ser621= (NM_001408492.1, NM_001408493.1); c.1839A>C, p.Ser613= (NM_001408494.1); and 84 more.
Identifiers: ClinVar variation 865408 (VCV000865408.3), dbSNP rs373810778, ClinGen allele CA500143287.
Genomic context (GRCh38, chr17:43,049,139, plus strand): 5'-AATATTGTGTCCTCCCTCTCTGACAGGGCACCCAATACTTACTGTGCCAAGGGTGAATGA[T>G]GAAAGCTCCTTCACCACAGAAGCACCACACAGCTGTACCATCCATTCCAGTTGATCTAAA-3'
Protein context (NP_009225.1, residues 1786-1806): LCGASVVKEL[Ser1796=]SFTLGTGVHP